The following is an entry in ClinVar:

NM_032387.5(WNK4):c.1666C>A (p.Pro556Thr)

Gene: WNK4 (WNK lysine deficient protein kinase 4; plus strand). Cytogenetic location: 17q21.2.
Variant type: single nucleotide variant.
Coding change: c.1666C>A on transcript NM_032387.5 (MANE Select); coding-DNA position 1666, C replaced by A.
Protein change: p.Pro556Thr; replaces proline 556 with threonine.
Molecular consequence: missense variant.
Genome position (GRCh38, 1-based): chr17:42,787,467, C>A. VCF-style: chr17-42787467-C-A. GRCh37 (hg19) VCF-style: chr17-40939485-C-A.
Other names: p.Pro556Thr; c.658C>A, p.Pro220Thr (NM_001321299.2); short protein forms P556T, P220T.
Identifiers: ClinVar variation 890017 (VCV000890017.15), dbSNP rs56003090, ClinGen allele CA8584054.

ClinVar aggregate classification (germline): Benign/Likely benign. Review status: criteria provided, multiple submitters, no conflicts (2 of 4 stars). 7 submissions from 7 submitters: Benign (3); Likely benign (4). Last evaluated 2025-07-15.

Conditions:
Pseudohypoaldosteronism type 2B (PHA2B). Also called: Pseudohypoaldosteronism Type IIB. Identifiers: Orphanet 757, Orphanet 88939, MedGen C1840390, MONDO:0013777, OMIM 614491.

Allele frequency attached by ClinVar (database versions not stated): 1000 Genomes Project 0.00220; ESP Exome Variant Server 0.00031; TOPMed 0.00033; 1000 Genomes Project 30x 0.00172.

Submissions (7):

Mayo Clinic Laboratories, Mayo Clinic
Classification: Likely benign. Last evaluated: 2025-07-15. Review status: criteria provided, single submitter. Criteria: ACMG Guidelines, 2015. Collection method: clinical testing. Allele origin: germline. Observed: 1 variant allele.
Comment: BS1, BP4_moderate

Labcorp Genetics (formerly Invitae), Labcorp
Classification: Benign. Last evaluated: 2025-03-17. Review status: criteria provided, single submitter. Criteria: Invitae Variant Classification Sherloc (09022015). Collection method: clinical testing. Allele origin: germline.

Blueprint Genetics
Classification: Likely benign. Last evaluated: 2024-08-30. Review status: criteria provided, single submitter. Criteria: ACMG Guidelines, 2015. Collection method: clinical testing. Allele origin: germline.

Department of Pathology and Laboratory Medicine, Sinai Health System
Classification: Likely benign for Pseudohypoaldosteronism type 2B. Last evaluated: 2021-12-07. Review status: criteria provided, single submitter. Criteria: ACMG Guidelines, 2015. Collection method: research. Allele origin: germline.

Fulgent Genetics
Classification: Likely benign for Pseudohypoaldosteronism type 2B. Last evaluated: 2021-11-08. Review status: criteria provided, single submitter. Criteria: ACMG Guidelines, 2015. Collection method: clinical testing. Allele origin: unknown.

Illumina Laboratory Services, Illumina
Classification: Benign for Pseudohypoaldosteronism type 2B. Last evaluated: 2017-04-28. Review status: criteria provided, single submitter. Criteria: ICSL Variant Classification Criteria 13 December 2019. Collection method: clinical testing. Allele origin: germline.
Comment: This variant was observed as part of a predisposition screen in an ostensibly healthy population. A literature search was performed for the gene, cDNA change, and amino acid change (where applicable). Publications were found based on this search. The evidence from the literature, in combination with allele frequency data from public databases where available, was sufficient to rule this variant out of causing disease. Therefore, this variant is classified as benign.

Breakthrough Genomics
Classification: Benign. Review status: criteria provided, single submitter. Criteria: ACMG Guidelines, 2015. Collection method: not provided. Allele origin: germline. Inheritance: Autosomal dominant inheritance. Affected: yes.

Literature cited by the submitters: PubMed 15110905 (cited by Mayo Clinic Laboratories, Mayo Clinic and Illumina Laboratory Services, Illumina).